The following is an entry in ClinVar:

ClinVar aggregate classification (germline): Uncertain significance. Review status: criteria provided, multiple submitters, no conflicts (2 of 4 stars). 3 submissions from 3 submitters: Uncertain significance (3). Last evaluated 2023-04-08.

Conditions:
Multicentric osteolysis nodulosis arthropathy spectrum. Identifiers: Orphanet 3460, Orphanet 371428, MedGen C1850155, MONDO:0018298.
Inborn genetic diseases. Identifiers: MedGen C0950123, MeSH D030342.

Allele frequency attached by ClinVar (database versions not stated): gnomAD 0.00001; TOPMed 0.00002; ExAC 0.00003; gnomAD exomes 0.00004; 1000 Genomes Project 30x 0.00016; 1000 Genomes Project 0.00020.
gnomAD v4.1: 16 of 1,613,874 alleles (0.00099%); highest among the groups gnomAD compares: Admixed American, 0.005%; no homozygotes.

Submissions (3):

Ambry Genetics
Classification: Uncertain significance for Inborn genetic diseases. Last evaluated: 2023-04-08. Review status: criteria provided, single submitter. Criteria: Ambry Variant Classification Scheme 2023. Collection method: clinical testing. Allele origin: germline.

Labcorp Genetics (formerly Invitae), Labcorp
Classification: Uncertain significance. Last evaluated: 2022-04-01. Review status: criteria provided, single submitter. Criteria: Invitae Variant Classification Sherloc (09022015). Collection method: clinical testing. Allele origin: germline.
Comment: This sequence change replaces arginine, which is basic and polar, with histidine, which is basic and polar, at codon 296 of the MMP2 protein (p.Arg296His). This variant is present in population databases (rs200786490, gnomAD 0.006%). This variant has not been reported in the literature in individuals affected with MMP2-related conditions. ClinVar contains an entry for this variant (Variation ID: 886042). Algorithms developed to predict the effect of missense changes on protein structure and function (SIFT, PolyPhen-2, Align-GVGD) all suggest that this variant is likely to be tolerated. In summary, the available evidence is currently insufficient to determine the role of this variant in disease. Therefore, it has been classified as a Variant of Uncertain Significance.

Illumina Laboratory Services, Illumina
Classification: Uncertain significance for Multicentric osteolysis, nodulosis, and arthropathy. Last evaluated: 2018-01-12. Review status: criteria provided, single submitter. Criteria: ICSL Variant Classification Criteria 13 December 2019. Collection method: clinical testing. Allele origin: germline.

NM_004530.6(MMP2):c.887G>A (p.Arg296His)

Gene: MMP2 (matrix metallopeptidase 2; plus strand). Cytogenetic location: 16q12.2.
Variant type: single nucleotide variant.
Coding change: c.887G>A on transcript NM_004530.6 (MANE Select); coding-DNA position 887, G replaced by A.
Protein change: p.Arg296His; replaces arginine 296 with histidine.
Molecular consequence: missense variant.
Genome position (GRCh38, 1-based): chr16:55,488,597, G>A. VCF-style: chr16-55488597-G-A. GRCh37 (hg19) VCF-style: chr16-55522509-G-A.
Other names: c.737G>A, p.Arg246His (NM_001127891.3); c.659G>A, p.Arg220His (NM_001302508.1, NM_001302509.2, NM_001302510.2); short protein forms R246H, R220H, R296H.
Identifiers: ClinVar variation 886042 (VCV000886042.8), dbSNP rs200786490, ClinGen allele CA8060242.